The following is an entry in ClinVar:

NM_014391.3(ANKRD1):c.352C>A (p.Pro118Thr)

Gene: ANKRD1 (ankyrin repeat domain 1; minus strand). Cytogenetic location: 10q23.31.
Variant type: single nucleotide variant.
Coding change: c.352C>A on transcript NM_014391.3 (MANE Select); coding-DNA position 352, C replaced by A.
Protein change: p.Pro118Thr; replaces proline 118 with threonine.
Molecular consequence: missense variant.
Genome position (GRCh38, 1-based): chr10:90,918,966, G>T on the plus strand (C>A on the coding strand, the complement: ANKRD1 is on the minus strand). VCF-style: chr10-90918966-G-T. GRCh37 (hg19) VCF-style: chr10-92678723-G-T.
Other names: short protein forms P118T.
Identifiers: ClinVar variation 4053898 (VCV004053898.1).

ClinVar aggregate classification (germline): Uncertain significance (1 of 4 stars; one submission).

Conditions:
Cardiovascular phenotype. Identifiers: MedGen CN230736.

gnomAD v4.1: 3 of 1,587,658 alleles (0.00019%); highest among the groups gnomAD compares: Non-Finnish European, 0.00026%; no homozygotes.

Submission:

Ambry Genetics
Classification: Uncertain significance for Cardiovascular phenotype. Last evaluated: 2025-05-18. Review status: criteria provided, single submitter. Criteria: Ambry Variant Classification Scheme 2023. Collection method: clinical testing. Allele origin: germline.
Comment: The p.P118T variant (also known as c.352C>A), located in coding exon 4 of the ANKRD1 gene, results from a C to A substitution at nucleotide position 352. The proline at codon 118 is replaced by threonine, an amino acid with highly similar properties. This amino acid position is conserved. In addition, this alteration is predicted to be tolerated by in silico analysis. Based on the available evidence, the clinical significance of this variant remains unclear.